The following is an entry in ClinVar:

NM_031157.4(HNRNPA1):c.1093A>G (p.Ser365Gly)

Gene: HNRNPA1 (heterogeneous nuclear ribonucleoprotein A1; plus strand). Cytogenetic location: 12q13.13.
Variant type: single nucleotide variant.
Coding change: c.1093A>G on transcript NM_031157.4 (MANE Select); coding-DNA position 1093, A replaced by G.
Protein change: p.Ser365Gly; replaces serine 365 with glycine.
Molecular consequence: missense variant. On other transcripts: non-coding transcript variant (1).
Genome position (GRCh38, 1-based): chr12:54,284,287, A>G. VCF-style: chr12-54284287-A-G. GRCh37 (hg19) VCF-style: chr12-54678071-A-G.
Other names: c.937A>G, p.Ser313Gly (NM_002136.4); short protein forms S365G, S313G.
Identifiers: ClinVar variation 135610 (VCV000135610.2), dbSNP rs483353026, ClinGen allele CA163089.
Genomic context (GRCh38, chr12:54,284,287, plus strand): 5'-GAAACTTTAAAAGAAAAATTGTACTTTTCAGGTGGCTATGGCGGTTCCAGCAGCAGCAGT[A>G]GCTATGGCAGTGGCAGAAGATTTTAATTAGGTAAGTAAGCACCTTTTTGTGTGTTGACAT-3'
Protein context (NP_112420.1, residues 355-372): GGYGGSSSSS[Ser365Gly]YGSGRRF

ClinVar aggregate classification (germline): Likely benign (0 of 4 stars; one submission).

Conditions:
Relapsing remitting multiple sclerosis. Identifiers: MedGen C0751967, MONDO:0005314.

Submission:

Demyelinating Disease Laboratories, VA Medical Center and University of Tennessee
Classification: Likely benign. Review status: no assertion criteria provided. Collection method: not provided. Allele origin: somatic.
ClinVar note: Converted during submission from probable-non-pathogenic to Likely benign.